The following is an entry in ClinVar:

NM_006231.4(POLE):c.289G>A (p.Ala97Thr)

Gene: POLE (DNA polymerase epsilon, catalytic subunit; minus strand). Cytogenetic location: 12q24.33.
Variant type: single nucleotide variant.
Coding change: c.289G>A on transcript NM_006231.4 (MANE Select); coding-DNA position 289, G replaced by A.
Protein change: p.Ala97Thr; replaces alanine 97 with threonine.
Molecular consequence: missense variant.
Genome position (GRCh38, 1-based): chr12:132,680,219, C>T on the plus strand (G>A on the coding strand, the complement: POLE is on the minus strand). VCF-style: chr12-132680219-C-T. GRCh37 (hg19) VCF-style: chr12-133256805-C-T.
Other names: short protein forms A97T.
Identifiers: ClinVar variation 861129 (VCV000861129.10), dbSNP rs1593086461, ClinGen allele CA387368856.

ClinVar aggregate classification (germline): Uncertain significance. Review status: criteria provided, multiple submitters, no conflicts (2 of 4 stars). 2 submissions from 2 submitters: Uncertain significance (2). Last evaluated 2024-08-01.

Conditions:
Hereditary cancer-predisposing syndrome. Also called: Tumor predisposition; Hereditary neoplastic syndrome; Neoplastic Syndromes, Hereditary; Hereditary Cancer Syndrome. Identifiers: Orphanet 140162, MedGen C0027672, MeSH D009386, MONDO:0015356.

Allele frequency attached by ClinVar (database versions not stated): gnomAD exomes below 0.00001.

Submissions (2):

Labcorp Genetics (formerly Invitae), Labcorp
Classification: Uncertain significance. Last evaluated: 2024-08-01. Review status: criteria provided, single submitter. Criteria: Invitae Variant Classification Sherloc (09022015). Collection method: clinical testing. Allele origin: germline.
Comment: This sequence change replaces alanine, which is neutral and non-polar, with threonine, which is neutral and polar, at codon 97 of the POLE protein (p.Ala97Thr). This variant is not present in population databases (gnomAD no frequency). This variant has not been reported in the literature in individuals affected with POLE-related conditions. ClinVar contains an entry for this variant (Variation ID: 861129). Advanced modeling of protein sequence and biophysical properties (such as structural, functional, and spatial information, amino acid conservation, physicochemical variation, residue mobility, and thermodynamic stability) performed at Invitae indicates that this missense variant is not expected to disrupt POLE protein function with a negative predictive value of 80%. In summary, the available evidence is currently insufficient to determine the role of this variant in disease. Therefore, it has been classified as a Variant of Uncertain Significance.

Ambry Genetics
Classification: Uncertain significance for Hereditary cancer-predisposing syndrome. Last evaluated: 2024-01-17. Review status: criteria provided, single submitter. Criteria: Ambry Variant Classification Scheme 2023. Collection method: clinical testing. Allele origin: germline.
Comment: The p.A97T variant (also known as c.289G>A), located in coding exon 4 of the POLE gene, results from a G to A substitution at nucleotide position 289. The alanine at codon 97 is replaced by threonine, an amino acid with similar properties. This amino acid position is conserved. In addition, this alteration is predicted to be tolerated by in silico analysis. Since supporting evidence is limited at this time, the clinical significance of this alteration remains unclear.